The following is an entry in ClinVar:

NM_000521.4(HEXB):c.1613+14del

Gene: HEXB (hexosaminidase subunit beta; plus strand). Cytogenetic location: 5q13.3.
Variant type: Deletion.
Coding change: c.1613+14del on transcript NM_000521.4 (MANE Select); 14 bases into the intron after coding-DNA position 1613, one base deleted (T; older notation c.1613+14delT).
Molecular consequence: intron variant.
Genome position (GRCh38, 1-based): chr5:74,720,761, T deleted; the last of 2 consecutive T bases (chr5:74,720,760-74,720,761); deleting either gives the same sequence. VCF-style (leftmost placement, unchanged base first): chr5-74720759-AT-A. GRCh37 (hg19) VCF-style: chr5-74016584-AT-A.
Other names: c.938+14del (NM_001292004.2); c.1613+14delT (NM_000521.4).
Identifiers: ClinVar variation 354138 (VCV000354138.19), dbSNP rs754704434, ClinGen allele CA3306217.

ClinVar aggregate classification (germline): Likely benign. Review status: criteria provided, multiple submitters, no conflicts (2 of 4 stars). 4 submissions from 4 submitters: Likely benign (3). 1 of the submissions does not count toward it. Last evaluated 2026-02-02.

Conditions:
Sandhoff disease. Also called: GM2-GANGLIOSIDOSIS, TYPE II; HEXOSAMINIDASES A AND B DEFICIENCY; Beta-hexosaminidase-beta-subunit deficiency; GM2 gangliosidosis, type 2; Total hexosaminidase deficiency; Sandhoff-Jatzkewitz-Pilz disease. Identifiers: Orphanet 796, MedGen C0036161, MONDO:0010006, OMIM 268800.

Submissions (4):

Labcorp Genetics (formerly Invitae), Labcorp
Classification: Likely benign for Sandhoff disease. Last evaluated: 2026-02-02. Review status: criteria provided, single submitter. Criteria: Invitae Variant Classification Sherloc (09022015). Collection method: clinical testing. Allele origin: germline.

Women's Health and Genetics/Laboratory Corporation of America, LabCorp
Classification: Likely benign. Last evaluated: 2025-01-09. Review status: criteria provided, single submitter. Criteria: LabCorp Variant Classification Summary - May 2015. Collection method: clinical testing. Allele origin: germline.
Comment: Variant summary: HEXB c.1613+14delT alters a non-conserved nucleotide located at a position not widely known to affect splicing. Consensus agreement among computation tools predict no significant impact on normal splicing. However, these predictions have yet to be confirmed by functional studies. The variant allele was found at a frequency of 0.00039 in 250692 control chromosomes. This frequency is not significantly higher than estimated for a pathogenic variant in HEXB causing Sandhoff Disease (0.00039 vs 0.0015), allowing no conclusion about variant significance. To our knowledge, no occurrence of c.1613+14delT in individuals affected with Sandhoff Disease and no experimental evidence demonstrating its impact on protein function have been reported. ClinVar contains an entry for this variant (Variation ID: 354138). Based on the evidence outlined above, the variant was classified as likely benign.

Blueprint Genetics
Classification: Likely benign. Last evaluated: 2024-11-11. Review status: criteria provided, single submitter. Criteria: ACMG Guidelines, 2015. Collection method: clinical testing. Allele origin: germline.

Natera, Inc.
Classification: Uncertain significance for Sandhoff disease. Last evaluated: 2020-01-17. Review status: no assertion criteria provided. Collection method: clinical testing. Allele origin: germline. Not counted in ClinVar's aggregate classification.